The following is an entry in ClinVar:

NM_014283.5(SUCO):c.91G>A (p.Glu31Lys)

Gene: SUCO (SUN domain containing ossification factor; plus strand). Cytogenetic location: 1q24.3.
Variant type: single nucleotide variant.
Coding change: c.91G>A on transcript NM_014283.5 (MANE Select); coding-DNA position 91, G replaced by A.
Protein change: p.Glu31Lys; replaces glutamic acid 31 with lysine.
Molecular consequence: missense variant. On other transcripts: 5 prime UTR variant (1).
Genome position (GRCh38, 1-based): chr1:172,551,540, G>A. VCF-style: chr1-172551540-G-A. GRCh37 (hg19) VCF-style: chr1-172520680-G-A.
Other names: c.91G>A, p.Glu31Lys (NM_001282750.2); c.-1439G>A (NM_001282751.2); c.676G>A, p.Glu226Lys (NM_016227.4); short protein forms E31K, E226K.
Identifiers: ClinVar variation 3005800 (VCV003005800.3), dbSNP rs115406795, ClinGen allele CA1246456.

ClinVar aggregate classification (germline): Uncertain significance (1 of 4 stars; one submission).

Allele frequency attached by ClinVar (database versions not stated): TOPMed 0.00001; ExAC 0.00002; gnomAD exomes 0.00002.
gnomAD v4.1: 13 of 1,610,380 alleles (0.00081%); highest among the groups gnomAD compares: East Asian, 0.029%; no homozygotes.

Submission:

Labcorp Genetics (formerly Invitae), Labcorp
Classification: Uncertain significance. Last evaluated: 2023-02-04. Review status: criteria provided, single submitter. Criteria: Invitae Variant Classification Sherloc (09022015). Collection method: clinical testing. Allele origin: germline.
Comment: This sequence change replaces glutamic acid, which is acidic and polar, with lysine, which is basic and polar, at codon 31 of the SUCO protein (p.Glu31Lys). This variant is present in population databases (rs115406795, gnomAD 0.02%). This variant has not been reported in the literature in individuals affected with SUCO-related conditions. Algorithms developed to predict the effect of missense changes on protein structure and function are either unavailable or do not agree on the potential impact of this missense change (SIFT: "Deleterious"; PolyPhen-2: "Probably Damaging"; Align-GVGD: "Class C0"). In summary, the available evidence is currently insufficient to determine the role of this variant in disease. Therefore, it has been classified as a Variant of Uncertain Significance.